The following is an entry in ClinVar:

NM_019613.4(WDR45B):c.619-12_619-10delinsCGG

Gene: WDR45B (WD repeat domain 45B; minus strand). Cytogenetic location: 17q25.3.
Variant type: Indel.
Coding change: c.619-12_619-10delinsCGG on transcript NM_019613.4 (MANE Select); 12 bases into the intron before coding-DNA position 619 through 10 bases into the intron before coding-DNA position 619, TGT replaced by CGG.
Molecular consequence: intron variant.
Genome position (GRCh38, 1-based): chr17:82,619,138-82,619,140, ACA replaced by CCG on the plus strand (TGT replaced by CGG on the coding strand, the reverse complement: WDR45B is on the minus strand). VCF-style: chr17-82619138-ACA-CCG. GRCh37 (hg19) VCF-style: chr17-80577014-ACA-CCG.
Other names: c.619-12_619-10delTGTinsCGG (NM_019613.3).
Identifiers: ClinVar variation 1189859 (VCV001189859.4), dbSNP rs2143251700, ClinGen allele CA2499225048.

ClinVar aggregate classification (germline): Conflicting classifications of pathogenicity. Review status: criteria provided, conflicting classifications (1 of 4 stars). 2 submissions from 2 submitters: Likely pathogenic (1); Uncertain significance (1). Last evaluated 2025-10-31.

Conditions:
Inborn genetic diseases. Identifiers: MedGen C0950123, MeSH D030342.

Submissions (2):

Ambry Genetics
Classification: Likely pathogenic for Inborn genetic diseases. Last evaluated: 2025-10-31. Review status: criteria provided, single submitter. Criteria: Ambry Variant Classification Scheme 2023. Collection method: clinical testing. Allele origin: germline.
Comment: The c.619-12_619-10delTGTinsCGG intronic variant begins 12 nucleotides before coding exon 7 in the WDR45B gene. This variant results from a deletion of 3 and an insertion of 3 nucleotides at positions c.619-12 to c.619-10. This variant was not reported in population-based cohorts in the Genome Aggregation Database (gnomAD). These nucleotide positions are well conserved in available vertebrate species. RNA studies have demonstrated that this alteration results in abnormal splicing in the set of samples tested (Ambry internal data). In silico splice site analysis predicts that this alteration may weaken the native splice acceptor site. Based on the available evidence, this alteration is classified as likely pathogenic.

GeneDx
Classification: Uncertain significance. Last evaluated: 2020-02-25. Review status: criteria provided, single submitter. Criteria: GeneDx Variant Classification Process June 2021. Collection method: clinical testing. Allele origin: germline. Affected: yes.
Comment: Not observed in large population cohorts (Lek et al., 2016); In silico analysis supports a deleterious effect on splicing; Has not been previously published as pathogenic or benign to our knowledge